The following is an entry in ClinVar:

NM_001379029.1(CERT1):c.-251C>T

Genes: CERT1 (ceramide transporter 1; minus strand), POLK (DNA polymerase kappa; plus strand). Cytogenetic location: 5q13.3.
Variant type: single nucleotide variant.
Coding change: c.-251C>T on transcript NM_001379029.1 (MANE Select); 251 bases upstream of the start codon, C replaced by T.
Molecular consequence: 5 prime UTR variant. On other transcripts: missense variant (1).
Genome position (GRCh38, 1-based): chr5:75,511,458, G>A on the plus strand (C>T on the coding strand, the complement: CERT1 is on the minus strand). VCF-style: chr5-75511458-G-A. GRCh37 (hg19) VCF-style: chr5-74807283-G-A.
Other names: c.134C>T, p.Ala45Val (NM_001130105.1); c.-251C>T (NM_001379002.1, NM_001379003.1, NM_001379004.1 and 2 more transcripts); short protein forms A45V.
Identifiers: ClinVar variation 3250924 (VCV003250924.18), dbSNP rs977873801.

ClinVar aggregate classification (germline): Conflicting classifications of pathogenicity. Review status: criteria provided, conflicting classifications (1 of 4 stars). 2 submissions from 2 submitters: Uncertain significance (1); Likely benign (1). Last evaluated 2025-05-28.

Conditions:
Inborn genetic diseases. Identifiers: MedGen C0950123, MeSH D030342.

gnomAD v4.1: 33 of 1,529,482 alleles (0.0022%); highest among the groups gnomAD compares: Non-Finnish European, 0.0025%; no homozygotes.

Submissions (2):

Ambry Genetics
Classification: Uncertain significance for Inborn genetic diseases. Last evaluated: 2025-05-28. Review status: criteria provided, single submitter. Criteria: Ambry Variant Classification Scheme 2023. Collection method: clinical testing. Allele origin: germline.

CeGaT Center for Human Genetics Tuebingen
Classification: Likely benign. Last evaluated: 2024-06-01. Review status: criteria provided, single submitter. Criteria: CeGaT Center For Human Genetics Tuebingen Variant Classification Criteria Version 2. Collection method: clinical testing. Allele origin: germline. Affected: yes. Observed: 1 variant allele.
Comment: CERT1: BS2